The following is an entry in ClinVar:

ClinVar aggregate classification (germline): Uncertain significance. Review status: criteria provided, multiple submitters, no conflicts (2 of 4 stars). 3 submissions from 3 submitters: Uncertain significance (3). Last evaluated 2025-10-21.

Conditions:
Immunodeficiency, common variable, 10. Also called: DEFICIT IN ANTERIOR PITUITARY FUNCTION AND VARIABLE IMMUNODEFICIENCY; IMMUNODEFICIENCY, COMMON VARIABLE, WITH CENTRAL ADRENAL INSUFFICIENCY. Identifiers: MedGen C3809991, MONDO:0014260, OMIM 615577.
Hereditary breast ovarian cancer syndrome. Also called: Hereditary breast and ovarian cancer syndrome; Hereditary breast and/or ovarian cancer syndrome; Hereditary breast and ovarian cancer syndrome (HBOC); Hereditary breast and ovarian cancer; Breast and ovarian cancer; BRCA1- and BRCA2-Associated Hereditary Breast and Ovarian Cancer. Identifiers: Orphanet 145, MedGen C0677776, MeSH D061325, MONDO:0003582. Disease mechanism: loss of function.

gnomAD v4.1: 4 of 1,577,920 alleles (0.00025%); highest among the groups gnomAD compares: Admixed American, 0.0018%; no homozygotes.

Submissions (3):

Labcorp Genetics (formerly Invitae), Labcorp
Classification: Uncertain significance for Immunodeficiency, common variable, 10. Last evaluated: 2025-10-21. Review status: criteria provided, single submitter. Criteria: Invitae Variant Classification Sherloc (09022015). Collection method: clinical testing. Allele origin: germline.
Comment: This sequence change replaces valine, which is neutral and non-polar, with alanine, which is neutral and non-polar, at codon 844 of the NFKB2 protein (p.Val844Ala). This variant is not present in population databases (gnomAD no frequency). This variant has not been reported in the literature in individuals affected with NFKB2-related conditions. ClinVar contains an entry for this variant (Variation ID: 981846). An algorithm developed to predict the effect of missense changes on protein structure and function (PolyPhen-2) suggests that this variant is likely to be disruptive. In summary, the available evidence is currently insufficient to determine the role of this variant in disease. Therefore, it has been classified as a Variant of Uncertain Significance.

Laboratorio de Genetica e Diagnostico Molecular, Hospital Israelita Albert Einstein
Classification: Uncertain significance for Immunodeficiency, common variable, 10. Last evaluated: 2022-07-05. Review status: criteria provided, single submitter. Criteria: ACMG Guidelines, 2015. Collection method: clinical testing. Allele origin: germline. Affected: yes. Observed: 1 variant allele.
Comment: ACMG classification criteria: PM2 moderated, PP2 supporting, PP3 supporting

Molecular Oncology Research Center, Barretos Cancer Hospital
Classification: Uncertain significance for Hereditary breast ovarian cancer syndrome. Last evaluated: 2020-08-01. Review status: criteria provided, single submitter. Criteria: ACMG Guidelines, 2015. Collection method: research. Allele origin: germline. Affected: yes. Observed: 1 variant allele.

NM_001322934.2(NFKB2):c.2531T>C (p.Val844Ala)

Gene: NFKB2 (nuclear factor kappa B subunit 2; plus strand). Cytogenetic location: 10q24.32.
Variant type: single nucleotide variant.
Coding change: c.2531T>C on transcript NM_001322934.2 (MANE Select); coding-DNA position 2531, T replaced by C.
Protein change: p.Val844Ala; replaces valine 844 with alanine.
Molecular consequence: missense variant.
Genome position (GRCh38, 1-based): chr10:102,402,112, T>C. VCF-style: chr10-102402112-T-C. GRCh37 (hg19) VCF-style: chr10-104161869-T-C.
Other names: c.2531T>C, p.Val844Ala (NM_001077494.3, NM_001261403.3, NM_001288724.1 and 1 more transcripts); c.2405T>C, p.Val802Ala (NM_001322935.1); short protein forms V802A, V844A.
Identifiers: ClinVar variation 981846 (VCV000981846.9), dbSNP rs1450204584, ClinGen allele CA377906179.
Genomic context (GRCh38, chr10:102,402,112, plus strand): 5'-CTGGCGGGGACCTGGCAGGTCTACTGGAGGCCCTGTCTGACATGGGCCTAGAGGAGGGAG[T>C]GAGGCTGCTGAGGGGTCCAGAAACCCGAGACAAGCTGCCCAGCACAGGTAAAGGGGCCTC-3'
Protein context (NP_001309863.1, residues 834-854): ALSDMGLEEG[Val844Ala]RLLRGPETRD